The following is an entry in ClinVar:

ClinVar aggregate classification (germline): Uncertain significance. Review status: criteria provided, multiple submitters, no conflicts (2 of 4 stars). 2 submissions from 2 submitters: Uncertain significance (2). Last evaluated 2023-09-20.

Conditions:
Inborn genetic diseases. Identifiers: MedGen C0950123, MeSH D030342.
Hereditary hyperekplexia. Identifiers: Orphanet 3197, MedGen C4084968, MONDO:0021022.

Allele frequency attached by ClinVar (database versions not stated): gnomAD exomes below 0.00001 and 0.00001; TOPMed 0.00001.
gnomAD v4.1: 2 of 1,613,942 alleles (0.00012%); highest among the groups gnomAD compares: Admixed American, 0.0033%; no homozygotes.

Submissions (2):

Ambry Genetics
Classification: Uncertain significance for Inborn genetic diseases. Last evaluated: 2023-09-20. Review status: criteria provided, single submitter. Criteria: Ambry Variant Classification Scheme 2023. Collection method: clinical testing. Allele origin: germline.

Labcorp Genetics (formerly Invitae), Labcorp
Classification: Uncertain significance for Hereditary hyperekplexia. Last evaluated: 2022-12-31. Review status: criteria provided, single submitter. Criteria: Invitae Variant Classification Sherloc (09022015). Collection method: clinical testing. Allele origin: germline.
Comment: This sequence change replaces isoleucine, which is neutral and non-polar, with threonine, which is neutral and polar, at codon 418 of the GLRA1 protein (p.Ile418Thr). This variant is present in population databases (no rsID available, gnomAD 0.009%). This variant has not been reported in the literature in individuals affected with GLRA1-related conditions. ClinVar contains an entry for this variant (Variation ID: 649707). Advanced modeling of protein sequence and biophysical properties (such as structural, functional, and spatial information, amino acid conservation, physicochemical variation, residue mobility, and thermodynamic stability) has been performed at Invitae for this missense variant, however the output from this modeling did not meet the statistical confidence thresholds required to predict the impact of this variant on GLRA1 protein function. In summary, the available evidence is currently insufficient to determine the role of this variant in disease. Therefore, it has been classified as a Variant of Uncertain Significance.

NM_000171.4(GLRA1):c.1253T>C (p.Ile418Thr)

Gene: GLRA1 (glycine receptor alpha 1; minus strand). Cytogenetic location: 5q33.1.
Variant type: single nucleotide variant.
Coding change: c.1253T>C on transcript NM_000171.4 (MANE Select); coding-DNA position 1253, T replaced by C.
Protein change: p.Ile418Thr; replaces isoleucine 418 with threonine.
Molecular consequence: missense variant.
Genome position (GRCh38, 1-based): chr5:151,822,770, A>G on the plus strand (T>C on the coding strand, the complement: GLRA1 is on the minus strand). VCF-style: chr5-151822770-A-G. GRCh37 (hg19) VCF-style: chr5-151202331-A-G.
Other names: c.1277T>C, p.Ile426Thr (NM_001146040.2); c.1004T>C, p.Ile335Thr (NM_001292000.2); short protein forms I426T, I335T, I418T.
Identifiers: ClinVar variation 649707 (VCV000649707.11), dbSNP rs1239753439, ClinGen allele CA361849823.
Genomic context (GRCh38, chr5:151,822,770, plus strand): 5'-TAGATGATCCAGTAGAACATGTTGAAAATGAGGAAGGCCATGGGGAAGCCAATGCGGGAT[A>G]TTTTGTCGATCTTCTTGGCCCTCTGGATGAAGAGTTTTCGCATCTCCTCTGGGGACTTAG-3'
Protein context (NP_000162.2, residues 408-428): FIQRAKKIDK[Ile418Thr]SRIGFPMAFL